The following is an entry in ClinVar:

ClinVar aggregate classification (germline): Uncertain significance (1 of 4 stars; one submission).

Conditions:
Familial focal epilepsy with variable foci (FPEVF). Identifiers: Orphanet 98820, MedGen C1858477, MONDO:0020310.

gnomAD v4.1: 2 of 1,530,070 alleles (0.00013%); highest among the groups gnomAD compares: Admixed American, 0.0023%; no homozygotes.

Submission:

Labcorp Genetics (formerly Invitae), Labcorp
Classification: Uncertain significance for Familial focal epilepsy with variable foci. Last evaluated: 2026-01-24. Review status: criteria provided, single submitter. Criteria: Invitae Variant Classification Sherloc (09022015). Collection method: clinical testing. Allele origin: germline.
Comment: This sequence change replaces valine, which is neutral and non-polar, with leucine, which is neutral and non-polar, at codon 1113 of the DEPDC5 protein (p.Val1113Leu). The frequency data for this variant in the population databases is considered unreliable, as metrics indicate poor data quality at this position in the gnomAD database. This variant has not been reported in the literature in individuals affected with DEPDC5-related conditions. An algorithm developed to predict the effect of missense changes on protein structure and function outputs the following: PolyPhen-2: "Not Available". The leucine amino acid residue is found in multiple mammalian species, which suggests that this missense change does not adversely affect protein function. In summary, the available evidence is currently insufficient to determine the role of this variant in disease. Therefore, it has been classified as a Variant of Uncertain Significance.

NM_001242896.3(DEPDC5):c.3337G>C (p.Val1113Leu)

Gene: DEPDC5 (DEP domain containing 5, GATOR1 subcomplex subunit; plus strand). Cytogenetic location: 22q12.3.
Variant type: single nucleotide variant.
Coding change: c.3337G>C on transcript NM_001242896.3 (MANE Select); coding-DNA position 3337, G replaced by C.
Protein change: p.Val1113Leu; replaces valine 1113 with leucine.
Molecular consequence: missense variant. On other transcripts: non-coding transcript variant (5).
Genome position (GRCh38, 1-based): chr22:31,870,596, G>C. VCF-style: chr22-31870596-G-C. GRCh37 (hg19) VCF-style: chr22-32266582-G-C.
Other names: c.3310G>C, p.Val1104Leu (NM_001136029.4); c.3037G>C, p.Val1013Leu (NM_001242897.2); c.3271G>C, p.Val1091Leu (NM_001363852.2, NM_001364320.2); c.3103G>C, p.Val1035Leu (NM_001363854.2, NM_001364319.2); c.3337G>C, p.Val1113Leu (NM_001364318.2); c.3253G>C, p.Val1085Leu (NM_001369901.1, NM_001369902.1); c.3244G>C, p.Val1082Leu (NM_001369903.1, NM_014662.6); short protein forms V1082L, V1113L, V1035L, V1085L, V1091L, V1104L, V1013L.
Identifiers: ClinVar variation 4770636 (VCV004770636.1).